The following is an entry in ClinVar:

NM_144997.7(FLCN):c.140_141dup (p.Glu48fs)

Gene: FLCN (folliculin; minus strand). Cytogenetic location: 17p11.2.
Variant type: Duplication.
Coding change: c.140_141dup on transcript NM_144997.7 (MANE Select); coding-DNA positions 140 to 141, 2 bases duplicated (AA; older notation c.140_141dupAA).
Protein change: p.Glu48fs; shifts the reading frame from glutamic acid 48.
Molecular consequence: frameshift variant.
Genome position (GRCh38, 1-based): chr17:17,227,997-17,227,998, TT duplicated on the plus strand (AA on the coding strand, the reverse complement: FLCN is on the minus strand). VCF-style (leftmost placement, unchanged base first): chr17-17227996-C-CTT. GRCh37 (hg19) VCF-style: chr17-17131310-C-CTT.
Other names: c.140_141dup, p.Glu48fs (NM_001353229.2, NM_001353230.2, NM_001353231.2 and 1 more transcripts); short protein forms E48fs.
Identifiers: ClinVar variation 3891310 (VCV003891310.1).

ClinVar aggregate classification (germline): Likely pathogenic (1 of 4 stars; one submission).

Conditions:
Hereditary cancer-predisposing syndrome. Also called: Tumor predisposition; Neoplastic Syndromes, Hereditary; Hereditary Cancer Syndrome; Hereditary neoplastic syndrome. Identifiers: Orphanet 140162, MedGen C0027672, MeSH D009386, MONDO:0015356.

Submission:

Molecular Diagnostics Laboratory, Catalan Institute of Oncology
Classification: Likely pathogenic for Hereditary cancer-predisposing syndrome. Last evaluated: 2025-01-21. Review status: criteria provided, single submitter. Criteria: ACMG Guidelines, 2015. Collection method: clinical testing. Allele origin: germline.
Comment: PVS1, PM2_Supporting c.140_141dup, located in exon 4 of the FLCN gene, consists in the duplication of two nucleotides, causing a translational frameshift with a predicted alternate stop codon (p.(Glu48Lysfs*8)). This alteration is expected to result in loss of function by premature protein truncation and nonsense-mediated mRNA decay (PVS1). It is not present in the population database gnomAD v2.1.1, non cancer dataset (PM2_supporting). The SpliceAI algorithm predicts no significant impact on splicing. To our knowledge, neither clinical data nor functional studies have been reported for this variant. Also, it has not been reported neither in ClinVar nor in LOVD databases. Based on currently available information, c.140_141dup is classified as a likely pathogenic variant according to ACMG guidelines.